The following is an entry in ClinVar:

NM_213599.3(ANO5):c.1243G>A (p.Val415Met)

Gene: ANO5 (anoctamin 5; plus strand). Cytogenetic location: 11p14.3.
Variant type: single nucleotide variant.
Coding change: c.1243G>A on transcript NM_213599.3 (MANE Select); coding-DNA position 1243, G replaced by A.
Protein change: p.Val415Met; replaces valine 415 with methionine.
Molecular consequence: missense variant.
Genome position (GRCh38, 1-based): chr11:22,255,433, G>A. VCF-style: chr11-22255433-G-A. GRCh37 (hg19) VCF-style: chr11-22276979-G-A.
Other names: c.1243G>A (NM_213599.2); c.1240G>A, p.Val414Met (NM_001142649.2); short protein forms V415M, V414M.
Identifiers: ClinVar variation 282596 (VCV000282596.16), dbSNP rs886042432, ClinGen allele CA10604230.

ClinVar aggregate classification (germline): Uncertain significance. Review status: criteria provided, multiple submitters, no conflicts (2 of 4 stars). 4 submissions from 4 submitters: Uncertain significance (4). Last evaluated 2024-07-16.

Conditions:
Gnathodiaphyseal dysplasia (GDD). Also called: GNATHODIAPHYSEAL SCLEROSIS; OSTEOGENESIS IMPERFECTA WITH UNUSUAL SKELETAL LESIONS. Identifiers: Orphanet 53697, MedGen C1833736, MONDO:0008151, OMIM 166260.
Autosomal recessive limb-girdle muscular dystrophy type 2L (LGMDR12). Also called: Limb-girdle muscular dystrophy, type 2L; Limb-Girdle Muscular Dystrophy R12 Anoctamin-5-Related (LGMD-R12); MUSCULAR DYSTROPHY, LIMB-GIRDLE, AUTOSOMAL RECESSIVE 12. Identifiers: Orphanet 206549, MedGen C1969785, MONDO:0012652, OMIM 611307.

Allele frequency attached by ClinVar (database versions not stated): gnomAD exomes below 0.00001 and 0.00001; TOPMed 0.00001.

Submissions (4):

GeneDx
Classification: Uncertain significance. Last evaluated: 2024-07-16. Review status: criteria provided, single submitter. Criteria: GeneDx Variant Classification Process June 2021. Collection method: clinical testing. Allele origin: germline. Affected: yes.
Comment: Not observed at significant frequency in large population cohorts (gnomAD); In silico analysis supports that this missense variant has a deleterious effect on protein structure/function; Has not been previously published as pathogenic or benign to our knowledge

Labcorp Genetics (formerly Invitae), Labcorp
Classification: Uncertain significance for Autosomal recessive limb-girdle muscular dystrophy type 2L; Gnathodiaphyseal dysplasia. Last evaluated: 2023-01-25. Review status: criteria provided, single submitter. Criteria: Invitae Variant Classification Sherloc (09022015). Collection method: clinical testing. Allele origin: germline.
Comment: In summary, the available evidence is currently insufficient to determine the role of this variant in disease. Therefore, it has been classified as a Variant of Uncertain Significance. This sequence change replaces valine, which is neutral and non-polar, with methionine, which is neutral and non-polar, at codon 415 of the ANO5 protein (p.Val415Met). This variant is present in population databases (no rsID available, gnomAD 0.007%). This variant has not been reported in the literature in individuals affected with ANO5-related conditions. ClinVar contains an entry for this variant (Variation ID: 282596). Advanced modeling of protein sequence and biophysical properties (such as structural, functional, and spatial information, amino acid conservation, physicochemical variation, residue mobility, and thermodynamic stability) has been performed at Invitae for this missense variant, however the output from this modeling did not meet the statistical confidence thresholds required to predict the impact of this variant on ANO5 protein function.

Revvity Omics, Revvity
Classification: Uncertain significance. Last evaluated: 2019-09-06. Review status: criteria provided, single submitter. Criteria: ACMG Guidelines, 2015. Collection method: clinical testing. Allele origin: germline.

Eurofins Ntd Llc (ga)
Classification: Uncertain significance. Last evaluated: 2015-08-11. Review status: criteria provided, single submitter. Criteria: EGL Classification Definitions 2015. Collection method: clinical testing. Allele origin: germline. Observed: 2 variant alleles, 2 heterozygotes.